The following is an entry in ClinVar:

NM_001382391.1(CSPP1):c.2527dup (p.Glu843fs)

Gene: CSPP1 (centrosome and spindle pole associated protein 1; plus strand). Cytogenetic location: 8q13.2.
Variant type: Duplication.
Coding change: c.2527dup on transcript NM_001382391.1 (MANE Select); coding-DNA position 2527, one base duplicated (G; older notation c.2527dupG).
Protein change: p.Glu843fs; shifts the reading frame from glutamic acid 843.
Molecular consequence: frameshift variant.
Genome position (GRCh38, 1-based): chr8:67,159,126, G duplicated; the last of 4 consecutive G bases (chr8:67,159,123-67,159,126); duplicating any one gives the same sequence. VCF-style (leftmost placement, unchanged base first): chr8-67159122-T-TG. GRCh37 (hg19) VCF-style: chr8-68071357-T-TG.
Other names: c.2512dupG (NM_024790.6); c.1477dup, p.Glu493fs (NM_001291339.2); c.2446dup, p.Glu816fs (NM_001363131.2); c.2332dup, p.Glu778fs (NM_001363132.2); c.2251dup, p.Glu751fs (NM_001363133.2); c.2593dup, p.Glu865fs (NM_001364869.1); c.2413dup, p.Glu805fs (NM_001364870.1); c.2512dup, p.Glu838Glyfs (NM_024790.7); short protein forms E865fs, E778fs, E816fs, E493fs, E751fs, E805fs, E838fs, E843fs.
Identifiers: ClinVar variation 541695 (VCV000541695.10), dbSNP rs1554604482, ClinGen allele CA658797113.

ClinVar aggregate classification (germline): Pathogenic/Likely pathogenic. Review status: criteria provided, multiple submitters, no conflicts (2 of 4 stars). 3 submissions from 3 submitters: Pathogenic (2); Likely pathogenic (1). Last evaluated 2026-01-30.

Conditions:
CSPP1-related disorder. Also called: CSPP1-related condition.
Joubert syndrome 21 (JBTS21). Identifiers: MedGen C3810212, MONDO:0014288, OMIM 615636.

Submissions (3):

GeneDx
Classification: Pathogenic. Last evaluated: 2026-01-30. Review status: criteria provided, single submitter. Criteria: GeneDx Variant Classification Process June 2021. Collection method: clinical testing. Allele origin: germline.
Comment: Frameshift variant predicted to result in protein truncation or nonsense mediated decay in a gene for which loss of function is a known mechanism of disease; Not observed at significant frequency in large population cohorts (gnomAD); Has not been previously published as pathogenic or benign to our knowledge

Labcorp Genetics (formerly Invitae), Labcorp
Classification: Pathogenic for Joubert syndrome 21. Last evaluated: 2022-11-23. Review status: criteria provided, single submitter. Criteria: Invitae Variant Classification Sherloc (09022015). Collection method: clinical testing. Allele origin: germline.
Comment: For these reasons, this variant has been classified as Pathogenic. ClinVar contains an entry for this variant (Variation ID: 541695). This variant has not been reported in the literature in individuals affected with CSPP1-related conditions. This variant is not present in population databases (gnomAD no frequency). This sequence change creates a premature translational stop signal (p.Glu838Glyfs*31) in the CSPP1 gene. It is expected to result in an absent or disrupted protein product. Loss-of-function variants in CSPP1 are known to be pathogenic (PMID: 24360807, 24360808).

Blueprint Genetics
Classification: Likely pathogenic for CSPP1-related disorders. Last evaluated: 2021-08-17. Review status: criteria provided, single submitter. Criteria: ACMG Guidelines, 2015. Collection method: clinical testing. Allele origin: germline. Affected: yes. Observed: 1 variant allele.

Literature cited by the submitters: PubMed 24360807 (cited by Labcorp Genetics (formerly Invitae), Labcorp); PubMed 24360808 (cited by Labcorp Genetics (formerly Invitae), Labcorp).